The following is an entry in ClinVar:

ClinVar aggregate classification (germline): Uncertain significance. Review status: criteria provided, multiple submitters, no conflicts (2 of 4 stars). 2 submissions from 2 submitters: Uncertain significance (2). Last evaluated 2022-07-19.

Conditions:
Nephronophthisis. Also called: Juvenile Nephronophthisis. Identifiers: Orphanet 655, MedGen C0687120, MONDO:0019005, HP:0000090.

Allele frequency attached by ClinVar (database versions not stated): TOPMed 0.00001; ESP Exome Variant Server 0.00008.

Submissions (2):

Labcorp Genetics (formerly Invitae), Labcorp
Classification: Uncertain significance for Nephronophthisis. Last evaluated: 2022-07-19. Review status: criteria provided, single submitter. Criteria: Invitae Variant Classification Sherloc (09022015). Collection method: clinical testing. Allele origin: germline.
Comment: This sequence change replaces valine, which is neutral and non-polar, with methionine, which is neutral and non-polar, at codon 1130 of the NPHP4 protein (p.Val1130Met). This variant is not present in population databases (gnomAD no frequency). This variant has not been reported in the literature in individuals affected with NPHP4-related conditions. ClinVar contains an entry for this variant (Variation ID: 598703). Algorithms developed to predict the effect of missense changes on protein structure and function are either unavailable or do not agree on the potential impact of this missense change (SIFT: "Deleterious"; PolyPhen-2: "Probably Damaging"; Align-GVGD: "Class C0"). In summary, the available evidence is currently insufficient to determine the role of this variant in disease. Therefore, it has been classified as a Variant of Uncertain Significance.

Eurofins Ntd Llc (ga)
Classification: Uncertain significance. Last evaluated: 2018-09-13. Review status: criteria provided, single submitter. Criteria: EGL ClinVar v180209 classification definitions. Collection method: clinical testing. Allele origin: germline. Observed: 1 variant allele, 1 heterozygote.

NM_015102.5(NPHP4):c.3388G>A (p.Val1130Met)

Gene: NPHP4 (nephrocystin 4; minus strand). Cytogenetic location: 1p36.31.
Variant type: single nucleotide variant.
Coding change: c.3388G>A on transcript NM_015102.5 (MANE Select); coding-DNA position 3388, G replaced by A.
Protein change: p.Val1130Met; replaces valine 1130 with methionine.
Molecular consequence: missense variant. On other transcripts: non-coding transcript variant (1).
Genome position (GRCh38, 1-based): chr1:5,867,824, C>T on the plus strand (G>A on the coding strand, the complement: NPHP4 is on the minus strand). VCF-style: chr1-5867824-C-T. GRCh37 (hg19) VCF-style: chr1-5927884-C-T.
Other names: c.1849G>A, p.Val617Met (NM_001291593.2); c.1852G>A, p.Val618Met (NM_001291594.2); short protein forms V1130M, V617M, V618M.
Identifiers: ClinVar variation 598703 (VCV000598703.12), dbSNP rs368313554, ClinGen allele CA17130766.
Genomic context (GRCh38, chr1:5,867,824, plus strand): 5'-GGCGGATGGCCTTCTTCAGGAAGGAGAGCTCCGGGTGATAGAAGCGGAAGACCTGGTCCA[C>T]CACGTGGGGCTGCAGCTCCACAGTCAGGCAGAGCACGGCGATGGGCTTGCCACCACTCGC-3'
Protein context (NP_055917.1, residues 1120-1140): CLTVELQPHV[Val1130Met]DQVFRFYHPE